The following is an entry in ClinVar:

ClinVar aggregate classification (germline): Uncertain significance. Review status: criteria provided, multiple submitters, no conflicts (2 of 4 stars). 2 submissions from 2 submitters: Uncertain significance (2). Last evaluated 2024-06-19.

Conditions:
Inborn genetic diseases. Identifiers: MedGen C0950123, MeSH D030342.
Heterotaxy, visceral, 5, autosomal (HTX5). Also called: Heterotaxy, visceral, 5. Identifiers: Orphanet 450, MedGen C3495537, MONDO:0700112, OMIM 270100.

Allele frequency attached by ClinVar (database versions not stated): TOPMed 0.00001.

Submissions (2):

Labcorp Genetics (formerly Invitae), Labcorp
Classification: Uncertain significance for Heterotaxy, visceral, 5, autosomal. Last evaluated: 2024-06-19. Review status: criteria provided, single submitter. Criteria: Invitae Variant Classification Sherloc (09022015). Collection method: clinical testing. Allele origin: germline.
Comment: This sequence change replaces serine, which is neutral and polar, with leucine, which is neutral and non-polar, at codon 201 of the NODAL protein (p.Ser201Leu). This variant is not present in population databases (gnomAD no frequency). This variant has not been reported in the literature in individuals affected with NODAL-related conditions. ClinVar contains an entry for this variant (Variation ID: 2262635). Advanced modeling of protein sequence and biophysical properties (such as structural, functional, and spatial information, amino acid conservation, physicochemical variation, residue mobility, and thermodynamic stability) performed at Invitae indicates that this missense variant is not expected to disrupt NODAL protein function with a negative predictive value of 80%. In summary, the available evidence is currently insufficient to determine the role of this variant in disease. Therefore, it has been classified as a Variant of Uncertain Significance.

Ambry Genetics
Classification: Uncertain significance for Inborn genetic diseases. Last evaluated: 2021-11-30. Review status: criteria provided, single submitter. Criteria: Ambry Variant Classification Scheme 2023. Collection method: clinical testing. Allele origin: germline.

NM_018055.5(NODAL):c.602C>T (p.Ser201Leu)

Gene: NODAL (nodal growth differentiation factor; minus strand). Cytogenetic location: 10q22.1.
Variant type: single nucleotide variant.
Coding change: c.602C>T on transcript NM_018055.5 (MANE Select); coding-DNA position 602, C replaced by T.
Protein change: p.Ser201Leu; replaces serine 201 with leucine.
Molecular consequence: missense variant.
Genome position (GRCh38, 1-based): chr10:70,435,575, G>A on the plus strand (C>T on the coding strand, the complement: NODAL is on the minus strand). VCF-style: chr10-70435575-G-A. GRCh37 (hg19) VCF-style: chr10-72195331-G-A.
Other names: c.203C>T, p.Ser68Leu (NM_001329906.2); short protein forms S201L, S68L.
Identifiers: ClinVar variation 2262635 (VCV002262635.4), dbSNP rs934274234, ClinGen allele CA209321726.
Genomic context (GRCh38, chr10:70,435,575, plus strand): 5'-CGCCAGGAGCTCTCGGCTTCCCACAGCAAGGTGGACCCACCCAGCTGCCTCTGCTCCTGC[G>A]AGAGGTTGGAGTAGAGCATAAGGAGCACATTGGTGGCAGGCGGTGTGGGGGGCCGCGGCC-3'
Protein context (NP_060525.3, residues 191-211): NVLLMLYSNL[Ser201Leu]QEQRQLGGST